The following is an entry in ClinVar:

NM_001386140.1(MTTP):c.812A>C (p.Lys271Thr)

Gene: MTTP (microsomal triglyceride transfer protein; plus strand). Cytogenetic location: 4q23.
Variant type: single nucleotide variant.
Coding change: c.812A>C on transcript NM_001386140.1 (MANE Select); coding-DNA position 812, A replaced by C.
Protein change: p.Lys271Thr; replaces lysine 271 with threonine.
Molecular consequence: missense variant.
Genome position (GRCh38, 1-based): chr4:99,594,786, A>C. VCF-style: chr4-99594786-A-C. GRCh37 (hg19) VCF-style: chr4-100515943-A-C.
Other names: c.812A>C, p.Lys271Thr (NM_000253.4); c.563A>C, p.Lys188Thr (NM_001300785.2); short protein forms K188T, K271T.
Identifiers: ClinVar variation 1932468 (VCV001932468.2), dbSNP rs1419664600, ClinGen allele CA357505754.

ClinVar aggregate classification (germline): Uncertain significance (1 of 4 stars; one submission).

Allele frequency attached by ClinVar (database versions not stated): gnomAD 0.00001; TOPMed 0.00002; gnomAD exomes 0.00004.
gnomAD v4.1: 35 of 1,613,976 alleles (0.0022%); highest among the groups gnomAD compares: Non-Finnish European, 0.0029%; no homozygotes.

Submission:

Labcorp Genetics (formerly Invitae), Labcorp
Classification: Uncertain significance. Last evaluated: 2022-05-06. Review status: criteria provided, single submitter. Criteria: Invitae Variant Classification Sherloc (09022015). Collection method: clinical testing. Allele origin: germline.
Comment: This sequence change replaces lysine, which is basic and polar, with threonine, which is neutral and polar, at codon 271 of the MTTP protein (p.Lys271Thr). This variant is present in population databases (no rsID available, gnomAD 0.007%). This variant has not been reported in the literature in individuals affected with MTTP-related conditions. Algorithms developed to predict the effect of missense changes on protein structure and function (SIFT, PolyPhen-2, Align-GVGD) all suggest that this variant is likely to be tolerated. In summary, the available evidence is currently insufficient to determine the role of this variant in disease. Therefore, it has been classified as a Variant of Uncertain Significance.